The following is an entry in ClinVar:

ClinVar aggregate classification (germline): Likely benign (1 of 4 stars; one submission).

Allele frequency attached by ClinVar (database versions not stated): gnomAD exomes 0.00020; TOPMed 0.00022; gnomAD 0.00024; ExAC 0.00035; 1000 Genomes Project 30x 0.00078; 1000 Genomes Project 0.00100.
gnomAD v4.1: 340 of 1,613,144 alleles (0.021%); highest among the groups gnomAD compares: East Asian, 0.47%; 2 homozygotes.

Submission:

CeGaT Center for Human Genetics Tuebingen
Classification: Likely benign. Last evaluated: 2023-01-01. Review status: criteria provided, single submitter. Criteria: CeGaT Center For Human Genetics Tuebingen Variant Classification Criteria Version 2. Collection method: clinical testing. Allele origin: germline. Affected: yes. Observed: 1 variant allele.
Comment: SLC5A8: BP4, BP7

NM_145913.5(SLC5A8):c.771C>T (p.Tyr257=)

Gene: SLC5A8 (solute carrier family 5 member 8). Cytogenetic location: 12q23.1.
Variant type: single nucleotide variant.
Coding change: c.771C>T on transcript NM_145913.5 (MANE Select); coding-DNA position 771, C replaced by T.
Protein change: p.Tyr257=; no amino-acid change (tyrosine 257 retained).
Molecular consequence: synonymous variant.
Genome position (GRCh38, 1-based): chr12:101,190,530, G>A on the plus strand (C>T on the coding strand, the complement: SLC5A8 is on the minus strand). VCF-style: chr12-101190530-G-A. GRCh37 (hg19) VCF-style: chr12-101584308-G-A.
Identifiers: ClinVar variation 2643234 (VCV002643234.24), dbSNP rs201820390, ClinGen allele CA6741282.